The following is an entry in ClinVar:

NM_001927.4(DES):c.1243C>G (p.Arg415Gly)

Gene: DES (desmin; plus strand). Cytogenetic location: 2q35.
Variant type: single nucleotide variant.
Coding change: c.1243C>G on transcript NM_001927.4 (MANE Select); coding-DNA position 1243, C replaced by G.
Protein change: p.Arg415Gly; replaces arginine 415 with glycine.
Molecular consequence: missense variant.
Genome position (GRCh38, 1-based): chr2:219,421,559, C>G. VCF-style: chr2-219421559-C-G. GRCh37 (hg19) VCF-style: chr2-220286281-C-G.
Other names: c.1240C>G, p.Arg414Gly (NM_001382708.1); c.811C>G, p.Arg271Gly (NM_001382709.1); c.1174C>G, p.Arg392Gly (NM_001382710.1); c.1222C>G, p.Arg408Gly (NM_001382711.1); c.1243C>G, p.Arg415Gly (NM_001382712.1); c.973C>G, p.Arg325Gly (NM_001382713.1); short protein forms R271G, R325G, R392G, R408G, R414G, R415G.
Identifiers: ClinVar variation 1058593 (VCV001058593.10), dbSNP rs751942358, ClinGen allele CA350695130.

ClinVar aggregate classification (germline): Uncertain significance. Review status: criteria provided, multiple submitters, no conflicts (2 of 4 stars). 2 submissions from 2 submitters: Uncertain significance (2). Last evaluated 2025-12-06.

Conditions:
Desmin-related myofibrillar myopathy (MFM1). Also called: MYOFIBRILLAR MYOPATHY WITH ARRHYTHMOGENIC RIGHT VENTRICULAR CARDIOMYOPATHY; DESMIN-RELATED MYOPATHY WITH ARRHYTHMOGENIC RIGHT VENTRICULAR CARDIOMYOPATHY; Desminopathy; Desmin related myopathy (former name); Desmin storage myopathy (former name); Myofibrillar myopathy 1. Identifiers: Orphanet 363543, Orphanet 98909, MedGen C1832370, MONDO:0011076, OMIM 601419.

Submissions (2):

Labcorp Genetics (formerly Invitae), Labcorp
Classification: Uncertain significance for Desmin-related myofibrillar myopathy. Last evaluated: 2025-12-06. Review status: criteria provided, single submitter. Criteria: Invitae Variant Classification Sherloc (09022015). Collection method: clinical testing. Allele origin: germline.
Comment: This sequence change replaces arginine, which is basic and polar, with glycine, which is neutral and non-polar, at codon 415 of the DES protein (p.Arg415Gly). This variant is not present in population databases (gnomAD no frequency). This variant has not been reported in the literature in individuals affected with DES-related conditions. ClinVar contains an entry for this variant (Variation ID: 1058593). Invitae Evidence Modeling of protein sequence and biophysical properties (such as structural, functional, and spatial information, amino acid conservation, physicochemical variation, residue mobility, and thermodynamic stability) has been performed for this missense variant. However, the output from this modeling did not meet the statistical confidence thresholds required to predict the impact of this variant on DES protein function. In summary, the available evidence is currently insufficient to determine the role of this variant in disease. Therefore, it has been classified as a Variant of Uncertain Significance.

GeneDx
Classification: Uncertain significance. Last evaluated: 2019-08-05. Review status: criteria provided, single submitter. Criteria: GeneDx Variant Classification Process June 2021. Collection method: clinical testing. Allele origin: germline. Affected: yes.
Comment: Has not been previously published as pathogenic or benign to our knowledge; Not observed in large population cohorts (Lek et al., 2016); In silico analysis, which includes protein predictors and evolutionary conservation, supports a deleterious effect